The following is an entry in ClinVar:

NM_033026.6(PCLO):c.2162A>G (p.Lys721Arg)

Gene: PCLO (piccolo presynaptic cytomatrix protein; minus strand). Cytogenetic location: 7q21.11.
Variant type: single nucleotide variant.
Coding change: c.2162A>G on transcript NM_033026.6 (MANE Select); coding-DNA position 2162, A replaced by G.
Protein change: p.Lys721Arg; replaces lysine 721 with arginine.
Molecular consequence: missense variant.
Genome position (GRCh38, 1-based): chr7:83,135,388, T>C on the plus strand (A>G on the coding strand, the complement: PCLO is on the minus strand). VCF-style: chr7-83135388-T-C. GRCh37 (hg19) VCF-style: chr7-82764704-T-C.
Other names: c.2162A>G, p.Lys721Arg (NM_014510.3); c.2162A>G (NM_033026.5); short protein forms K721R.
Identifiers: ClinVar variation 1367357 (VCV001367357.7), dbSNP rs979569443, ClinGen allele CA161172856.

ClinVar aggregate classification (germline): Uncertain significance. Review status: criteria provided, multiple submitters, no conflicts (2 of 4 stars). 2 submissions from 2 submitters: Uncertain significance (2). Last evaluated 2024-05-28.

Conditions:
Inborn genetic diseases. Identifiers: MedGen C0950123, MeSH D030342.

Allele frequency attached by ClinVar (database versions not stated): gnomAD exomes 0.00001; gnomAD 0.00009 and 0.00011; TOPMed 0.00011.
gnomAD v4.1: 33 of 1,613,842 alleles (0.002%); highest among the groups gnomAD compares: African/African-American, 0.043%; no homozygotes.

Submissions (2):

Ambry Genetics
Classification: Uncertain significance for Inborn genetic diseases. Last evaluated: 2024-05-28. Review status: criteria provided, single submitter. Criteria: Ambry Variant Classification Scheme 2023. Collection method: clinical testing. Allele origin: germline.

Labcorp Genetics (formerly Invitae), Labcorp
Classification: Uncertain significance. Last evaluated: 2022-08-22. Review status: criteria provided, single submitter. Criteria: Invitae Variant Classification Sherloc (09022015). Collection method: clinical testing. Allele origin: germline.
Comment: This sequence change replaces lysine, which is basic and polar, with arginine, which is basic and polar, at codon 721 of the PCLO protein (p.Lys721Arg). This variant is present in population databases (no rsID available, gnomAD 0.02%). This variant has not been reported in the literature in individuals affected with PCLO-related conditions. ClinVar contains an entry for this variant (Variation ID: 1367357). Algorithms developed to predict the effect of missense changes on protein structure and function are either unavailable or do not agree on the potential impact of this missense change (SIFT: "Tolerated"; PolyPhen-2: "Not Available"; Align-GVGD: "Class C0"). In summary, the available evidence is currently insufficient to determine the role of this variant in disease. Therefore, it has been classified as a Variant of Uncertain Significance.